The following is an entry in ClinVar:

NM_000178.4(GSS):c.548A>T (p.Asn183Ile)

Gene: GSS (glutathione synthetase; minus strand). Cytogenetic location: 20q11.22.
Variant type: single nucleotide variant.
Coding change: c.548A>T on transcript NM_000178.4 (MANE Select); coding-DNA position 548, A replaced by T.
Protein change: p.Asn183Ile; replaces asparagine 183 with isoleucine.
Molecular consequence: missense variant.
Genome position (GRCh38, 1-based): chr20:34,941,773, T>A on the plus strand (A>T on the coding strand, the complement: GSS is on the minus strand). VCF-style: chr20-34941773-T-A. GRCh37 (hg19) VCF-style: chr20-33529576-T-A.
Other names: c.548A>T (NM_000178.2); c.548A>T, p.Asn183Ile (NM_001322494.1, NM_001322495.1); short protein forms N183I.
Identifiers: ClinVar variation 1518158 (VCV001518158.6), dbSNP rs972702713, ClinGen allele CA313483872.

ClinVar aggregate classification (germline): Uncertain significance. Review status: criteria provided, multiple submitters, no conflicts (2 of 4 stars). 2 submissions from 2 submitters: Uncertain significance (2). Last evaluated 2026-06-05.

Conditions:
Inherited glutathione synthetase deficiency. Identifiers: Orphanet 32, MedGen C5979912, MONDO:0017909.
Inborn genetic diseases. Identifiers: MedGen C0950123, MeSH D030342.

Allele frequency attached by ClinVar (database versions not stated): gnomAD exomes 0.00001 and below 0.00001; TOPMed 0.00001.

Submissions (2):

Ambry Genetics
Classification: Uncertain significance for Inborn genetic diseases. Last evaluated: 2026-06-05. Review status: criteria provided, single submitter. Criteria: Ambry Variant Classification Scheme 2023. Collection method: clinical testing. Allele origin: germline.
Comment: The p.N183I variant (also known as c.548A>T), located in coding exon 5 of the GSS gene, results from an A to T substitution at nucleotide position 548. The asparagine at codon 183 is replaced by isoleucine, an amino acid with dissimilar properties. This amino acid position is conserved. In addition, the in silico prediction for this alteration is inconclusive. Based on the available evidence, the clinical significance of this variant remains unclear.

Labcorp Genetics (formerly Invitae), Labcorp
Classification: Uncertain significance for Glutathione synthetase deficiency with 5-oxoprolinuria. Last evaluated: 2022-08-16. Review status: criteria provided, single submitter. Criteria: Invitae Variant Classification Sherloc (09022015). Collection method: clinical testing. Allele origin: germline.
Comment: This sequence change replaces asparagine, which is neutral and polar, with isoleucine, which is neutral and non-polar, at codon 183 of the GSS protein (p.Asn183Ile). This variant is present in population databases (no rsID available, gnomAD 0.006%). This variant has not been reported in the literature in individuals affected with GSS-related conditions. ClinVar contains an entry for this variant (Variation ID: 1518158). Algorithms developed to predict the effect of missense changes on protein structure and function are either unavailable or do not agree on the potential impact of this missense change (SIFT: "Deleterious"; PolyPhen-2: "Possibly Damaging"; Align-GVGD: "Class C0"). In summary, the available evidence is currently insufficient to determine the role of this variant in disease. Therefore, it has been classified as a Variant of Uncertain Significance.